The following is an entry in ClinVar:

ClinVar aggregate classification (germline): Uncertain significance. Review status: criteria provided, multiple submitters, no conflicts (2 of 4 stars). 3 submissions from 3 submitters: Uncertain significance (3). Last evaluated 2026-07-07.

Conditions:
Hereditary cancer-predisposing syndrome. Also called: Neoplastic Syndromes, Hereditary; Hereditary Cancer Syndrome; Hereditary neoplastic syndrome; Tumor predisposition. Identifiers: Orphanet 140162, MedGen C0027672, MeSH D009386, MONDO:0015356.
Hereditary diffuse gastric adenocarcinoma (HDGC). Also called: DIFFUSE GASTRIC AND LOBULAR BREAST CANCER SYNDROME. Identifiers: Orphanet 26106, MedGen C1708349, MONDO:0007648, OMIM 137215.

Submissions (3):

Ambry Genetics
Classification: Uncertain significance for Hereditary cancer-predisposing syndrome. Last evaluated: 2026-07-07. Review status: criteria provided, single submitter. Criteria: Ambry Variant Classification Scheme 2023. Collection method: clinical testing. Allele origin: germline.
Comment: The p.L667F variant (also known as c.1999C>T), located in coding exon 13 of the CDH1 gene, results from a C to T substitution at nucleotide position 1999. The leucine at codon 667 is replaced by phenylalanine, an amino acid with highly similar properties. This amino acid position is conserved. In addition, this alteration is predicted to be tolerated by in silico analysis. Based on the available evidence, the clinical significance of this variant remains unclear.

Labcorp Genetics (formerly Invitae), Labcorp
Classification: Uncertain significance for Hereditary diffuse gastric adenocarcinoma. Last evaluated: 2025-08-31. Review status: criteria provided, single submitter. Criteria: Invitae Variant Classification Sherloc (09022015). Collection method: clinical testing. Allele origin: germline.
Comment: This sequence change replaces leucine, which is neutral and non-polar, with phenylalanine, which is neutral and non-polar, at codon 667 of the CDH1 protein (p.Leu667Phe). This variant is not present in population databases (gnomAD no frequency). This variant has not been reported in the literature in individuals affected with CDH1-related conditions. ClinVar contains an entry for this variant (Variation ID: 577241). An algorithm developed to predict the effect of missense changes on protein structure and function (PolyPhen-2) suggests that this variant is likely to be disruptive. In summary, the available evidence is currently insufficient to determine the role of this variant in disease. Therefore, it has been classified as a Variant of Uncertain Significance.

Women's Health and Genetics/Laboratory Corporation of America, LabCorp
Classification: Uncertain significance. Last evaluated: 2024-08-30. Review status: criteria provided, single submitter. Criteria: LabCorp Variant Classification Summary - May 2015. Collection method: clinical testing. Allele origin: germline.

NM_004360.5(CDH1):c.1999C>T (p.Leu667Phe)

Gene: CDH1 (cadherin 1; plus strand). Cytogenetic location: 16q22.1.
Variant type: single nucleotide variant.
Coding change: c.1999C>T on transcript NM_004360.5 (MANE Select); coding-DNA position 1999, C replaced by T.
Protein change: p.Leu667Phe; replaces leucine 667 with phenylalanine.
Molecular consequence: missense variant.
Genome position (GRCh38, 1-based): chr16:68,823,461, C>T. VCF-style: chr16-68823461-C-T. GRCh37 (hg19) VCF-style: chr16-68857364-C-T.
Other names: c.1816C>T, p.Leu606Phe (NM_001317184.2); c.451C>T, p.Leu151Phe (NM_001317185.2); c.34C>T, p.Leu12Phe (NM_001317186.2); c.1999C>T (LRG_301t1); short protein forms L667F, L606F, L12F, L151F.
Identifiers: ClinVar variation 577241 (VCV000577241.11), dbSNP rs1567513251, ClinGen allele CA396467634.